The following is an entry in ClinVar:

NC_000002.11:g.(?_87011727)_(87018838_?)dup

Gene: CD8A (CD8 subunit alpha; minus strand). Cytogenetic location: 2p11.2.
Variant type: Duplication.
Identifiers: ClinVar variation 1683292 (VCV001683292.1).

ClinVar aggregate classification (germline): Uncertain significance (1 of 4 stars; one submission).

Submission:

Women's Health and Genetics/Laboratory Corporation of America, LabCorp
Classification: Uncertain significance. Last evaluated: 2022-04-04. Review status: criteria provided, single submitter. Criteria: LabCorp Variant Classification Summary - May 2015. Collection method: clinical testing. Allele origin: germline.
Comment: Variant summary: The variant identified by MLPA or other technology involves the duplication of exons 1-6 in the CD8A gene. A presumed nomenclature of c.(?_-890)_(*1316_?)dup has been designated for the purposes of this classification. It has been assumed that this is a tandem duplication in direct orientation (Richardson_GIM_2018, Newman_AJHG_2015). Although exact breakpoints of this duplication are not known, it is expected to result in at least duplication of the whole CD8A gene. The variant was absent in 21694 control chromosomes. The available data on variant occurrences in the general population are insufficient to allow any conclusion about variant significance. To our knowledge, no occurrence of c.(?_-890)_(*1316_?)dup in individuals affected with Severe Combined Immunodeficiency and no experimental evidence demonstrating its impact on protein function have been reported. One clinical diagnostic laboratory has submitted clinical-significance assessments for this variant to ClinVar after 2014 without evidence for independent evaluation and classified the variant as uncertain significance. Based on the evidence outlined above, the variant was classified as uncertain significance.